The following is an entry in ClinVar:

NM_000155.4(GALT):c.192_195dup (p.Pro66fs)

Genes: GALT (galactose-1-phosphate uridylyltransferase; plus strand), LOC130001683 (ATAC-STARR-seq lymphoblastoid active region 28314; plus strand). Cytogenetic location: 9p13.3.
Variant type: Duplication.
Coding change: c.192_195dup on transcript NM_000155.4 (MANE Select); coding-DNA positions 192 to 195, 4 bases duplicated (AGTG; older notation c.192_195dupAGTG).
Protein change: p.Pro66fs; shifts the reading frame from proline 66.
Molecular consequence: frameshift variant. On other transcripts: 5 prime UTR variant (1).
Genome position (GRCh38, 1-based): chr9:34,647,198-34,647,201, AGTG duplicated. VCF-style (leftmost placement, unchanged base first): chr9-34647197-C-CAGTG. GRCh37 (hg19) VCF-style: chr9-34647194-C-CAGTG.
Other names: c.-11_-8dup (NM_001258332.2); short protein forms P66fs.
Identifiers: ClinVar variation 4716448 (VCV004716448.1).

ClinVar aggregate classification (germline): Pathogenic (1 of 4 stars; one submission).

Conditions:
Deficiency of UDPglucose-hexose-1-phosphate uridylyltransferase. Also called: GALACTOSE-1-PHOSPHATE URIDYLYLTRANSFERASE DEFICIENCY; Transferase Deficiency Galactosemia; GALACTOSEMIA I; GALT deficiency; Galactosemia, classic. Identifiers: Orphanet 352, Orphanet 79239, MedGen C0268151, MONDO:0009258, OMIM 230400.

Submission:

Labcorp Genetics (formerly Invitae), Labcorp
Classification: Pathogenic for Deficiency of UDPglucose-hexose-1-phosphate uridylyltransferase. Last evaluated: 2025-03-31. Review status: criteria provided, single submitter. Criteria: Invitae Variant Classification Sherloc (09022015). Collection method: clinical testing. Allele origin: germline.
Comment: This sequence change creates a premature translational stop signal (p.Pro66Serfs*5) in the GALT gene. It is expected to result in an absent or disrupted protein product. Loss-of-function variants in GALT are known to be pathogenic (PMID: 22944367). This variant is not present in population databases (gnomAD no frequency). This variant has not been reported in the literature in individuals affected with GALT-related conditions. Algorithms developed to predict the effect of sequence changes on RNA splicing suggest that this variant may disrupt the consensus splice site. For these reasons, this variant has been classified as Pathogenic.

Literature cited by the submitters: PubMed 22944367.